The following is an entry in ClinVar:

ClinVar aggregate classification (germline): Uncertain significance. Review status: criteria provided, multiple submitters, no conflicts (2 of 4 stars). 3 submissions from 3 submitters: Uncertain significance (2). 1 of the submissions does not count toward it. Last evaluated 2023-12-30.

Conditions:
Peroxisome biogenesis disorder, complementation group K (CGK). Identifiers: MedGen C1866257, MONDO:0800365.
PEX14-related disorder. Also called: PEX14-related condition.

Allele frequency attached by ClinVar (database versions not stated): gnomAD exomes 0.00001 and 0.00003; ExAC 0.00006; ESP Exome Variant Server 0.00008; TOPMed 0.00008; gnomAD 0.00010 and 0.00011; 1000 Genomes Project 0.00060; 1000 Genomes Project 30x 0.00078.

Submissions (3):

Labcorp Genetics (formerly Invitae), Labcorp
Classification: Uncertain significance for Peroxisome biogenesis disorder, complementation group K. Last evaluated: 2023-12-30. Review status: criteria provided, single submitter. Criteria: Invitae Variant Classification Sherloc (09022015). Collection method: clinical testing. Allele origin: germline.
Comment: This sequence change replaces serine, which is neutral and polar, with leucine, which is neutral and non-polar, at codon 273 of the PEX14 protein (p.Ser273Leu). This variant is present in population databases (rs149801951, gnomAD 0.04%). This variant has not been reported in the literature in individuals affected with PEX14-related conditions. ClinVar contains an entry for this variant (Variation ID: 497954). Advanced modeling of protein sequence and biophysical properties (such as structural, functional, and spatial information, amino acid conservation, physicochemical variation, residue mobility, and thermodynamic stability) performed at Invitae indicates that this missense variant is not expected to disrupt PEX14 protein function with a negative predictive value of 80%. In summary, the available evidence is currently insufficient to determine the role of this variant in disease. Therefore, it has been classified as a Variant of Uncertain Significance.

Eurofins Ntd Llc (ga)
Classification: Uncertain significance. Last evaluated: 2016-10-10. Review status: criteria provided, single submitter. Criteria: EGL Classification Definitions 2015. Collection method: clinical testing. Allele origin: germline. Observed: 1 variant allele, 1 heterozygote.

PreventionGenetics, part of Exact Sciences
Classification: Uncertain significance for PEX14-related condition. Last evaluated: 2024-04-16. Review status: no assertion criteria provided. Collection method: clinical testing. Allele origin: germline. Not counted in ClinVar's aggregate classification.
Comment: The PEX14 c.818C>T variant is predicted to result in the amino acid substitution p.Ser273Leu. To our knowledge, this variant has not been reported in the literature. This variant is reported in 0.044% of alleles in individuals of African descent in gnomAD. At this time, the clinical significance of this variant is uncertain due to the absence of conclusive functional and genetic evidence.

NM_004565.3(PEX14):c.818C>T (p.Ser273Leu)

Gene: PEX14 (peroxisomal biogenesis factor 14; plus strand). Cytogenetic location: 1p36.22.
Variant type: single nucleotide variant.
Coding change: c.818C>T on transcript NM_004565.3 (MANE Select); coding-DNA position 818, C replaced by T.
Protein change: p.Ser273Leu; replaces serine 273 with leucine.
Molecular consequence: missense variant.
Genome position (GRCh38, 1-based): chr1:10,629,671, C>T. VCF-style: chr1-10629671-C-T. GRCh37 (hg19) VCF-style: chr1-10689728-C-T.
Other names: c.818C>T (NM_004565.2); short protein forms S273L.
Identifiers: ClinVar variation 497954 (VCV000497954.10), dbSNP rs149801951, ClinGen allele CA583972.
Genomic context (GRCh38, chr1:10,629,671, plus strand): 5'-CTGCGGCCGTGAACCACCACAGCAGCAGCGACATCTCACCTGTCAGCAACGAGTCCACGT[C>T]GTCCTCGCCTGGGAAGGAGGGCCACAGCCCCGAGGGCTCCACGGTCACCTACCACTTGCT-3'
Protein context (NP_004556.1, residues 263-283): DISPVSNEST[Ser273Leu]SSPGKEGHSP